The following is an entry in ClinVar:

NM_000053.4(ATP7B):c.2675A>G (p.Asn892Ser)

Gene: ATP7B (ATPase copper transporting beta; minus strand). Cytogenetic location: 13q14.3.
Variant type: single nucleotide variant.
Coding change: c.2675A>G on transcript NM_000053.4 (MANE Select); coding-DNA position 2675, A replaced by G.
Protein change: p.Asn892Ser; replaces asparagine 892 with serine.
Molecular consequence: missense variant.
Genome position (GRCh38, 1-based): chr13:51,950,062, T>C on the plus strand (A>G on the coding strand, the complement: ATP7B is on the minus strand). VCF-style: chr13-51950062-T-C. GRCh37 (hg19) VCF-style: chr13-52524198-T-C.
Other names: c.2189A>G, p.Asn730Ser (NM_001005918.3, NM_001406541.1, NM_001406542.1 and 1 more transcripts); c.2342A>G, p.Asn781Ser (NM_001243182.2); c.2441A>G, p.Asn814Ser (NM_001330578.2, NM_001406534.1, NM_001406538.1 and 2 more transcripts); c.2423A>G, p.Asn808Ser (NM_001330579.2, NM_001406531.1, NM_001406532.1 and 1 more transcripts); c.2675A>G, p.Asn892Ser (NM_001406511.1, NM_001406512.1, NM_001406513.1 and 7 more transcripts); c.2642A>G, p.Asn881Ser (NM_001406514.1); c.2579A>G, p.Asn860Ser (NM_001406517.1, NM_001406518.1); c.2435A>G, p.Asn812Ser (NM_001406530.1); and 9 more; short protein forms N462S, N782S, N860S, N892S, N698S, N776S, N808S, N881S.
Identifiers: ClinVar variation 2139980 (VCV002139980.5), dbSNP rs779694030, ClinGen allele CA6988939.

ClinVar aggregate classification (germline): Uncertain significance. Review status: criteria provided, multiple submitters, no conflicts (2 of 4 stars). 4 submissions from 4 submitters: Uncertain significance (4). Last evaluated 2024-12-13.

Conditions:
Wilson disease (WND). Also called: Wilson's disease. Identifiers: Orphanet 905, MedGen C0019202, MONDO:0010200, OMIM 277900. Disease mechanism: loss of function.

Allele frequency attached by ClinVar (database versions not stated): TOPMed 0.00001; gnomAD exomes 0.00004; ExAC 0.00006.

Submissions (4):

GeneDx
Classification: Uncertain significance. Last evaluated: 2024-12-13. Review status: criteria provided, single submitter. Criteria: GeneDx Variant Classification Process June 2021. Collection method: clinical testing. Allele origin: germline. Affected: yes.
Comment: In silico analysis indicates that this missense variant does not alter protein structure/function; Has not been previously published as pathogenic or benign to our knowledge

All of Us Research Program, National Institutes of Health
Classification: Uncertain significance for Wilson disease. Last evaluated: 2024-05-14. Review status: criteria provided, single submitter. Criteria: ACMG Guidelines, 2015. Collection method: clinical testing. Allele origin: germline. Inheritance: Autosomal recessive inheritance. Observed: 3 variant alleles, 3 heterozygotes.
Comment: This missense variant replaces asparagine with serine at codon 892 of the ATP7B protein. Computational prediction suggests that this variant may not impact protein structure and function (internally defined REVEL score threshold <= 0.5, PMID: 27666373). To our knowledge, functional studies have not been reported for this variant. This variant has not been reported in individuals affected with Wilson disease in the literature. This variant has been identified in 16/249586 chromosomes in the general population by the Genome Aggregation Database (gnomAD). The available evidence is insufficient to determine the role of this variant in disease conclusively. Therefore, this variant is classified as a Variant of Uncertain Significance.

This study involves interpretation of variants in research participants for the purpose of population health screening. Participant phenotype was not available at the time of variant classification. Additional details can be found in publication PMID: 35346344, PMCID: PMC8962531

Color Diagnostics, LLC DBA Color Health
Classification: Uncertain significance for Wilson disease. Last evaluated: 2024-03-06. Review status: criteria provided, single submitter. Criteria: ACMG Guidelines, 2015. Collection method: clinical testing. Allele origin: germline.
Comment: This missense variant replaces asparagine with serine at codon 892 of the ATP7B protein. Computational prediction suggests that this variant may not impact protein structure and function. To our knowledge, functional studies have not been reported for this variant. This variant has not been reported in individuals affected with Wilson disease in the literature. This variant has been identified in 16/249586 chromosomes in the general population by the Genome Aggregation Database (gnomAD). The available evidence is insufficient to determine the role of this variant in disease conclusively. Therefore, this variant is classified as a Variant of Uncertain Significance.

Labcorp Genetics (formerly Invitae), Labcorp
Classification: Uncertain significance for Wilson disease. Last evaluated: 2021-12-24. Review status: criteria provided, single submitter. Criteria: Invitae Variant Classification Sherloc (09022015). Collection method: clinical testing. Allele origin: germline.
Comment: This sequence change replaces asparagine, which is neutral and polar, with serine, which is neutral and polar, at codon 892 of the ATP7B protein (p.Asn892Ser). This variant is present in population databases (rs779694030, gnomAD 0.05%). This variant has not been reported in the literature in individuals affected with ATP7B-related conditions. Advanced modeling of protein sequence and biophysical properties (such as structural, functional, and spatial information, amino acid conservation, physicochemical variation, residue mobility, and thermodynamic stability) performed at Invitae indicates that this missense variant is not expected to disrupt ATP7B protein function. Algorithms developed to predict the effect of sequence changes on RNA splicing suggest that this variant may create or strengthen a splice site. In summary, the available evidence is currently insufficient to determine the role of this variant in disease. Therefore, it has been classified as a Variant of Uncertain Significance.